The following is an entry in ClinVar:

ClinVar aggregate classification (germline): Likely benign. Review status: criteria provided, multiple submitters, no conflicts (2 of 4 stars). 2 submissions from 2 submitters: Likely benign (2). Last evaluated 2026-02-01.

Allele frequency attached by ClinVar (database versions not stated): 1000 Genomes Project 30x 0.00031; 1000 Genomes Project 0.00040; gnomAD 0.00058 and 0.00059; TOPMed 0.00060; ESP Exome Variant Server 0.00092.
gnomAD v4.1: 1,457 of 1,613,222 alleles (0.09%); highest among the groups gnomAD compares: Non-Finnish European, 0.11%; no homozygotes.

Submissions (4):

Labcorp Genetics (formerly Invitae), Labcorp
Classification: Likely benign. Last evaluated: 2026-02-01. Review status: criteria provided, single submitter. Criteria: Invitae Variant Classification Sherloc (09022015). Collection method: clinical testing. Allele origin: germline.

CeGaT Center for Human Genetics Tuebingen
Classification: Likely benign. Last evaluated: 2023-09-01. Review status: criteria provided, single submitter. Criteria: CeGaT Center For Human Genetics Tuebingen Variant Classification Criteria Version 2. Collection method: clinical testing. Allele origin: germline. Affected: yes. Observed: 1 variant allele.
Comment: LRRK1: BP4

Dr. Peter K. Rogan Lab, Western University
No classification provided (evidence only). Condition: Familial cancer of breast. Review status: no classification provided. Collection method: in vitro. Allele origin: not applicable. Functional consequence: retained intron. Not counted in ClinVar's aggregate classification.

Dr. Peter K. Rogan Lab, Western University
No classification provided (evidence only). Condition: Ovarian serous cystadenocarcinoma. Review status: no classification provided. Collection method: in vitro. Allele origin: not applicable. Functional consequence: retained intron. Not counted in ClinVar's aggregate classification.

NM_024652.6(LRRK1):c.3300-6T>A

Genes: LRRK1 (leucine rich repeat kinase 1; plus strand), LRRK1-AS1 (LRRK1 antisense RNA 1; minus strand). Cytogenetic location: 15q26.3.
Variant type: single nucleotide variant.
Coding change: c.3300-6T>A on transcript NM_024652.6 (MANE Select); 6 bases into the intron before coding-DNA position 3300, T replaced by A.
Molecular consequence: intron variant.
Genome position (GRCh38, 1-based): chr15:101,049,638, T>A. VCF-style: chr15-101049638-T-A. GRCh37 (hg19) VCF-style: chr15-101589843-T-A.
Identifiers: ClinVar variation 1529384 (VCV001529384.32), dbSNP rs190489729, ClinGen allele CA7761488.